The following is an entry in ClinVar:

ClinVar aggregate classification (germline): Likely pathogenic (1 of 4 stars; one submission).

Conditions:
Propionic acidemia (PROP). Also called: GLYCINEMIA, KETOTIC; HYPERGLYCINEMIA WITH KETOACIDOSIS AND LEUKOPENIA; KETOTIC HYPERGLYCINEMIA. Identifiers: Orphanet 35, MedGen C0268579, MONDO:0011628, OMIM 606054, HP:0003571.

Allele frequency attached by ClinVar (database versions not stated): gnomAD 0.00001; TOPMed 0.00001.
gnomAD v4.1: 1 of 1,607,326 alleles (0.000062%); highest among the groups gnomAD compares: Admixed American, 0.0017%; no homozygotes.

Submission:

Labcorp Genetics (formerly Invitae), Labcorp
Classification: Likely pathogenic for Propionic acidemia. Last evaluated: 2024-08-15. Review status: criteria provided, single submitter. Criteria: Invitae Variant Classification Sherloc (09022015). Collection method: clinical testing. Allele origin: germline.
Comment: This sequence change affects an acceptor splice site in intron 1 of the PCCA gene. It is expected to disrupt RNA splicing. Variants that disrupt the donor or acceptor splice site typically lead to a loss of protein function (PMID: 16199547), and loss-of-function variants in PCCA are known to be pathogenic (PMID: 15464417). This variant is not present in population databases (gnomAD no frequency). This variant has not been reported in the literature in individuals affected with PCCA-related conditions. Algorithms developed to predict the effect of sequence changes on RNA splicing suggest that this variant may disrupt the consensus splice site. In summary, the currently available evidence indicates that the variant is pathogenic, but additional data are needed to prove that conclusively. Therefore, this variant has been classified as Likely Pathogenic.

Literature cited by the submitters: PubMed 16199547; PubMed 15464417.

NM_000282.4(PCCA):c.106-2A>G

Gene: PCCA (propionyl-CoA carboxylase subunit alpha; plus strand). Cytogenetic location: 13q32.3.
Variant type: single nucleotide variant.
Coding change: c.106-2A>G on transcript NM_000282.4 (MANE Select); the canonical splice acceptor site of the intron before coding-DNA position 106, A replaced by G.
Molecular consequence: splice acceptor variant. On other transcripts: intron variant (3).
Genome position (GRCh38, 1-based): chr13:100,102,881, A>G. VCF-style: chr13-100102881-A-G. GRCh37 (hg19) VCF-style: chr13-100755135-A-G.
Other names: c.106-2A>G (NM_001178004.2, NM_001352605.2, NM_001352606.2 and 1 more transcripts); c.-761-2A>G (NM_001352610.2, NM_001352611.2, NM_001352612.2); c.106-8960A>G (NM_001127692.3, NM_001352607.2, NM_001352608.2).
Identifiers: ClinVar variation 2677495 (VCV002677495.4), dbSNP rs1011184132, ClinGen allele CA255964899.